The following is an entry in ClinVar:

NM_001999.4(FBN2):c.326A>G (p.Gln109Arg)

Gene: FBN2 (fibrillin 2; minus strand). Cytogenetic location: 5q23.3.
Variant type: single nucleotide variant.
Coding change: c.326A>G on transcript NM_001999.4 (MANE Select); coding-DNA position 326, A replaced by G.
Protein change: p.Gln109Arg; replaces glutamine 109 with arginine.
Molecular consequence: missense variant.
Genome position (GRCh38, 1-based): chr5:128,536,413, T>C on the plus strand (A>G on the coding strand, the complement: FBN2 is on the minus strand). VCF-style: chr5-128536413-T-C. GRCh37 (hg19) VCF-style: chr5-127872106-T-C.
Other names: short protein forms Q109R.
Identifiers: ClinVar variation 3664732 (VCV003664732.2).
Genomic context (GRCh38, chr5:128,536,413, plus strand): 5'-ATAGGGCCGAGTGCGCTGCCCCAAGCTGCGATCCCTGCCAAGCACTCACGGACAATGCAC[T>C]GGTTTCCTCCAGGGAGCGTCTTCCATCCAGGGCAGCAGTAGGAGTGGAATCTGGAGCCGC-3'
Protein context (NP_001990.2, residues 99-119): PGWKTLPGGN[Gln109Arg]CIVPICRNSC

ClinVar aggregate classification (germline): Uncertain significance (1 of 4 stars; one submission).

Conditions:
Congenital contractural arachnodactyly (CCA). Also called: BEALS SYNDROME; Beals-Hecht syndrome; Arthrogryposis, distal, type 9. Identifiers: Orphanet 115, MedGen C0220668, MONDO:0007363, OMIM 121050.

Submission:

Labcorp Genetics (formerly Invitae), Labcorp
Classification: Uncertain significance for Congenital contractural arachnodactyly. Last evaluated: 2025-01-29. Review status: criteria provided, single submitter. Criteria: Invitae Variant Classification Sherloc (09022015). Collection method: clinical testing. Allele origin: germline.
Comment: This sequence change replaces glutamine, which is neutral and polar, with arginine, which is basic and polar, at codon 109 of the FBN2 protein (p.Gln109Arg). This variant is not present in population databases (gnomAD no frequency). This missense change has been observed in individual(s) with FBN2-related conditions (internal data). Invitae Evidence Modeling of protein sequence and biophysical properties (such as structural, functional, and spatial information, amino acid conservation, physicochemical variation, residue mobility, and thermodynamic stability) indicates that this missense variant is not expected to disrupt FBN2 protein function with a negative predictive value of 95%. In summary, the available evidence is currently insufficient to determine the role of this variant in disease. Therefore, it has been classified as a Variant of Uncertain Significance.